The following is an entry in ClinVar:

NM_001903.5(CTNNA1):c.2288T>C (p.Ile763Thr)

Gene: CTNNA1 (catenin alpha 1; plus strand). Cytogenetic location: 5q31.2.
Variant type: single nucleotide variant.
Coding change: c.2288T>C on transcript NM_001903.5 (MANE Select); coding-DNA position 2288, T replaced by C.
Protein change: p.Ile763Thr; replaces isoleucine 763 with threonine.
Molecular consequence: missense variant.
Genome position (GRCh38, 1-based): chr5:138,930,925, T>C. VCF-style: chr5-138930925-T-C. GRCh37 (hg19) VCF-style: chr5-138266614-T-C.
Other names: c.2288T>C, p.Ile763Thr (NM_001290307.3, NM_001323984.2, NM_001323982.2 and 2 more transcripts); c.1979T>C, p.Ile660Thr (NM_001290309.3); c.1919T>C, p.Ile640Thr (NM_001290310.3); c.1178T>C, p.Ile393Thr (NM_001290312.1, NM_001323987.1, NM_001323988.1 and 17 more transcripts); c.2195T>C, p.Ile732Thr (NM_001323986.2); c.839T>C, p.Ile280Thr (NM_001324006.1, NM_001324007.1, NM_001324008.1 and 2 more transcripts); c.1085T>C, p.Ile362Thr (NM_001324011.1); c.935T>C, p.Ile312Thr (NM_001324012.1, NM_001324013.1); short protein forms I280T, I362T, I393T, I312T, I732T, I640T, I660T, I763T.
Identifiers: ClinVar variation 1789047 (VCV001789047.4), dbSNP rs2533862120, ClinGen allele CA361133957.

ClinVar aggregate classification (germline): Uncertain significance. Review status: criteria provided, multiple submitters, no conflicts (2 of 4 stars). 2 submissions from 2 submitters: Uncertain significance (2). Last evaluated 2025-12-29.

Conditions:
Hereditary cancer-predisposing syndrome. Also called: Hereditary Cancer Syndrome; Hereditary neoplastic syndrome; Tumor predisposition; Neoplastic Syndromes, Hereditary. Identifiers: Orphanet 140162, MedGen C0027672, MeSH D009386, MONDO:0015356.

Submissions (2):

Labcorp Genetics (formerly Invitae), Labcorp
Classification: Uncertain significance. Last evaluated: 2025-12-29. Review status: criteria provided, single submitter. Criteria: Invitae Variant Classification Sherloc (09022015). Collection method: clinical testing. Allele origin: germline.
Comment: This sequence change replaces isoleucine, which is neutral and non-polar, with threonine, which is neutral and polar, at codon 763 of the CTNNA1 protein (p.Ile763Thr). This variant is not present in population databases (gnomAD no frequency). This variant has not been reported in the literature in individuals affected with CTNNA1-related conditions. ClinVar contains an entry for this variant (Variation ID: 1789047). Invitae Evidence Modeling of protein sequence and biophysical properties (such as structural, functional, and spatial information, amino acid conservation, physicochemical variation, residue mobility, and thermodynamic stability) indicates that this missense variant is expected to disrupt CTNNA1 protein function with a positive predictive value of 80%. In summary, the available evidence is currently insufficient to determine the role of this variant in disease. Therefore, it has been classified as a Variant of Uncertain Significance.

Ambry Genetics
Classification: Uncertain significance for Hereditary cancer-predisposing syndrome. Last evaluated: 2021-08-22. Review status: criteria provided, single submitter. Criteria: Ambry Variant Classification Scheme 2023. Collection method: clinical testing. Allele origin: germline.
Comment: The p.I763T variant (also known as c.2288T>C), located in coding exon 15 of the CTNNA1 gene, results from a T to C substitution at nucleotide position 2288. The isoleucine at codon 763 is replaced by threonine, an amino acid with similar properties. This amino acid position is conserved. In addition, this alteration is predicted to be deleterious by in silico analysis. Since supporting evidence is limited at this time, the clinical significance of this alteration remains unclear.